The following is an entry in ClinVar:

ClinVar aggregate classification (germline): Benign (1 of 4 stars; one submission).

Conditions:
Melanoma-pancreatic cancer syndrome. Identifiers: Orphanet 404560, MedGen C1838547, MONDO:0011713, OMIM 606719. Disease mechanism: loss of function.

gnomAD v4.1: 1 of 1,606,200 alleles (0.000062%); no homozygotes.

Submission:

Myriad Genetics, Inc.
Classification: Benign for Melanoma-pancreatic cancer syndrome. Last evaluated: 2025-08-12. Review status: criteria provided, single submitter. Criteria: Myriad Autosomal Dominant, Autosomal Recessive and X-Linked Classification Criteria (2023). Collection method: clinical testing. Allele origin: unknown.
Comment: This variant is considered benign. This variant is a silent/synonymous amino acid change and it is not expected to impact splicing.

NM_058195.4(CDKN2A):c.123C>A (p.Ala41=)

Gene: CDKN2A (cyclin dependent kinase inhibitor 2A; minus strand). Cytogenetic location: 9p21.3.
Variant type: single nucleotide variant.
Coding change: c.123C>A on transcript NM_058195.4 (MANE Plus Clinical); coding-DNA position 123, C replaced by A.
Protein change: p.Ala41=; no amino-acid change (alanine 41 retained).
Molecular consequence: synonymous variant. On other transcripts: intron variant (1).
Genome position (GRCh38, 1-based): chr9:21,994,209, G>T on the plus strand (C>A on the coding strand, the complement: CDKN2A is on the minus strand). VCF-style: chr9-21994209-G-T. GRCh37 (hg19) VCF-style: chr9-21994208-G-T.
Other names: c.-4+612C>A (NM_001363763.2).
Identifiers: ClinVar variation 4294185 (VCV004294185.1).
Genomic context (GRCh38, chr9:21,994,209, plus strand): 5'-AGGAAGCGGCTGCTGCCCTAGACGCTGGCTCCTCAGTAGCATCAGCACGAGGGCCACAGC[G>T]GCGGGCGCCCCTGGCGCTGCCCACTCCCCCGTGAGCCGCGGGATGTGAACCACGAAAACC-3'
Protein context (NP_478102.2, residues 31-51): TGEWAAPGAP[Ala41=]AVALVLMLLR